The following is an entry in ClinVar:

NC_000013.11:g.48303748C>T

Gene: RB1 (RB transcriptional corepressor 1; plus strand). Cytogenetic location: 13q14.2.
Variant type: single nucleotide variant.
Genome position: GRCh38 VCF-style: chr13-48303748-C-T. GRCh37 (hg19) VCF-style: chr13-48877884-C-T.
Other names: c.-165C>T (NM_000321.2).
Identifiers: ClinVar variation 2858986 (VCV002858986.3), dbSNP rs945176525, ClinGen allele CA249842001.
Genomic context (GRCh38, chr13:48,303,748, plus strand): 5'-GAGCCTCGCGGACGTGACGCCGCGGGCGGAAGTGACGTTTTCCCGCGGTTGGACGCGGCG[C>T]TCAGTTGCCGGGCGGGGGAGGGCGCGTCCGGTTTTTCTCAGGGGACGTTGAAATTATTTT-3'

ClinVar aggregate classification (germline): Uncertain significance (1 of 4 stars; one submission).

Conditions:
Retinoblastoma (RB1). Also called: RETINOBLASTOMA, SOMATIC. Identifiers: Orphanet 790, MedGen C0035335, MeSH D012175, MONDO:0008380, OMIM 180200, HP:0009919. Disease mechanism: loss of function. Inheritance: Both sporadic and heritable forms are tested..

Allele frequency attached by ClinVar (database versions not stated): gnomAD 0.00002; TOPMed 0.00003; gnomAD exomes 0.00002.

Submission:

Labcorp Genetics (formerly Invitae), Labcorp
Classification: Uncertain significance for Retinoblastoma. Last evaluated: 2026-02-02. Review status: criteria provided, single submitter. Criteria: Invitae Variant Classification Sherloc (09022015). Collection method: clinical testing. Allele origin: germline.
Comment: This variant occurs in a non-coding region of the RB1 gene. It does not change the encoded amino acid sequence of the RB1 protein. This variant is present in population databases (no rsID available, gnomAD 0.007%). This variant has not been reported in the literature in individuals affected with RB1-related conditions. ClinVar contains an entry for this variant (Variation ID: 2858986). In summary, the available evidence is currently insufficient to determine the role of this variant in disease. Therefore, it has been classified as a Variant of Uncertain Significance.